The following is an entry in ClinVar:

NM_004780.3(TCEAL1):c.427_430del (p.Asn142_Lys143insTer)

Gene: TCEAL1 (transcription elongation factor A like 1; plus strand). Cytogenetic location: Xq22.2.
Variant type: Microsatellite.
Coding change: c.427_430del on transcript NM_004780.3 (MANE Select); coding-DNA positions 427 to 430, 4 bases deleted (AAAC; older notation c.427_430delAAAC).
Protein change: p.Asn142_Lys143insTer.
Molecular consequence: nonsense.
Genome position (GRCh38, 1-based): chrX:103,630,343-103,630,346, AAAC deleted; deleting any 4 consecutive bases within chrX:103,630,339-103,630,346 gives the same sequence; the c. name uses the placement nearest the transcript's 3' end. VCF-style (leftmost placement, unchanged base first): chrX-103630338-GAAAC-G. GRCh37 (hg19) VCF-style: chrX-102885266-GAAAC-G.
Other names: c.427_430del, p.Asn142_Lys143insTer (NM_001006639.2, NM_001006640.2).
Identifiers: ClinVar variation 3376876 (VCV003376876.1).

ClinVar aggregate classification (germline): Likely pathogenic (1 of 4 stars; one submission).

Conditions:
Neurodevelopmental disorder with gait disturbance, dysmorphic facies, and behavioral abnormalities, X-linked (HIJRS). Also called: HIJAZI-REIS SYNDROME. Identifiers: MedGen C5774179, MONDO:0859085, OMIM 301094.

Submission:

Victorian Clinical Genetics Services, Murdoch Childrens Research Institute
Classification: Likely pathogenic for Neurodevelopmental disorder with gait disturbance, dysmorphic facies, and behavioral abnormalities, X-linked. Last evaluated: 2024-10-09. Review status: criteria provided, single submitter. Criteria: ACMG Guidelines, 2015. Collection method: clinical testing. Allele origin: germline. Inheritance: X-linked dominant inheritance. Affected: yes.
Comment: Based on the classification scheme VCGS_Germline_v1.3.4, this variant is classified as Likely pathogenic. Following criteria are met: 0105 - The mechanism of disease for this gene is not clearly established. However, loss of function has been indicated as a likely disease mechanism (PMID: 36368327). (I) 0110 - This gene is associated with X-linked dominant disease. (I) 0205 - Variant is predicted to result in a truncated protein (premature termination codon is NOT located at least 54 nucleotides upstream of the final exon-exon junction) with less than 1/3 of the protein sequence affected. (SP) 0251 - This variant is heterozygous. (I) 0301 - Variant is absent from gnomAD (both v2 and v3). (SP) 0600 - Variant truncates part of the BEX domain (DECIPHER). (I) 0704 - Another downstream truncating variant comparable to the one identified in this case has limited previous evidence for pathogenicity. p.(Trp149*) has been observed as hemizygous and de novo in an individual with a neurodevelopmental disorder (PMID: 36368327). (SP) 0807 - This variant has no previous evidence of pathogenicity. (I) 0905 - No published segregation evidence has been identified for this variant. (I) 1007 - No published functional evidence has been identified for this variant. (SP) Legend: (SP) - Supporting pathogenic, (I) - Information, (SB) - Supporting benign

Literature cited by the submitters: PubMed 36368327.